The following is an entry in ClinVar:

ClinVar aggregate classification (germline): Uncertain significance. Review status: criteria provided, multiple submitters, no conflicts (2 of 4 stars). 2 submissions from 2 submitters: Uncertain significance (2). Last evaluated 2023-10-15.

Conditions:
Gorlin syndrome. Also called: Nevoid Basal Cell Carcinoma Syndrome; Basal cell nevus syndrome. Identifiers: Orphanet 377, MedGen C0004779, MONDO:0007187.
Hereditary cancer-predisposing syndrome. Also called: Hereditary Cancer Syndrome; Hereditary neoplastic syndrome; Neoplastic Syndromes, Hereditary; Tumor predisposition. Identifiers: Orphanet 140162, MedGen C0027672, MeSH D009386, MONDO:0015356.

Allele frequency attached by ClinVar (database versions not stated): gnomAD exomes below 0.00001.

Submissions (2):

Ambry Genetics
Classification: Uncertain significance for Hereditary cancer-predisposing syndrome. Last evaluated: 2023-10-15. Review status: criteria provided, single submitter. Criteria: Ambry Variant Classification Scheme 2023. Collection method: clinical testing. Allele origin: germline.
Comment: The p.L227F variant (also known as c.681G>C), located in coding exon 5 of the PTCH1 gene, results from a G to C substitution at nucleotide position 681. The leucine at codon 227 is replaced by phenylalanine, an amino acid with highly similar properties. This amino acid position is conserved. In addition, this alteration is predicted to be deleterious by in silico analysis. Since supporting evidence is limited at this time, the clinical significance of this alteration remains unclear.

Labcorp Genetics (formerly Invitae), Labcorp
Classification: Uncertain significance for Gorlin syndrome. Last evaluated: 2022-11-04. Review status: criteria provided, single submitter. Criteria: Invitae Variant Classification Sherloc (09022015). Collection method: clinical testing. Allele origin: germline.
Comment: This sequence change replaces leucine, which is neutral and non-polar, with phenylalanine, which is neutral and non-polar, at codon 227 of the PTCH1 protein (p.Leu227Phe). This variant is not present in population databases (gnomAD no frequency). In summary, the available evidence is currently insufficient to determine the role of this variant in disease. Therefore, it has been classified as a Variant of Uncertain Significance. Advanced modeling of protein sequence and biophysical properties (such as structural, functional, and spatial information, amino acid conservation, physicochemical variation, residue mobility, and thermodynamic stability) performed at Invitae indicates that this missense variant is not expected to disrupt PTCH1 protein function. This variant has not been reported in the literature in individuals affected with PTCH1-related conditions.

NM_000264.5(PTCH1):c.681G>C (p.Leu227Phe)

Gene: PTCH1 (patched 1; minus strand). Cytogenetic location: 9q22.32.
Variant type: single nucleotide variant.
Coding change: c.681G>C on transcript NM_000264.5 (MANE Select); coding-DNA position 681, G replaced by C.
Protein change: p.Leu227Phe; replaces leucine 227 with phenylalanine.
Molecular consequence: missense variant. On other transcripts: non-coding transcript variant (1).
Genome position (GRCh38, 1-based): chr9:95,482,014, C>G on the plus strand (G>C on the coding strand, the complement: PTCH1 is on the minus strand). VCF-style: chr9-95482014-C-G. GRCh37 (hg19) VCF-style: chr9-98244296-C-G.
Other names: c.483G>C, p.Leu161Phe (NM_001083602.3, NM_001354919.2); c.678G>C, p.Leu226Phe (NM_001083603.3); c.228G>C, p.Leu76Phe (NM_001083604.3, NM_001083605.3, NM_001083606.3 and 1 more transcripts); c.681G>C, p.Leu227Phe (NM_001354918.2); short protein forms L76F, L226F, L227F, L161F.
Identifiers: ClinVar variation 2810859 (VCV002810859.4), dbSNP rs2118465248, ClinGen allele CA374114934.
Genomic context (GRCh38, chr9:95,482,014, plus strand): 5'-GTATGCTGTCCCAGACTGTAATTTCGCCCCTTCCCAGAAGCAGTCCAAAGGTGTAATAAT[C>G]AAACAAGGGTAAAGATATTCTATTATCTGTCAAAGTTAAAAAGAAGAGGCCATGCGTTAG-3'
Protein context (NP_000255.2, residues 217-237): DQIIEYLYPC[Leu227Phe]IITPLDCFWE